The following is an entry in ClinVar:

NM_201548.5(CERKL):c.238+3G>A

Genes: CERKL (CERK like autophagy regulator; minus strand), LOC129935214 (ATAC-STARR-seq lymphoblastoid silent region 12157; plus strand). Cytogenetic location: 2q31.3.
Variant type: single nucleotide variant.
Coding change: c.238+3G>A on transcript NM_201548.5 (MANE Select); 3 bases into the intron after coding-DNA position 238, G replaced by A.
Molecular consequence: intron variant.
Genome position (GRCh38, 1-based): chr2:181,656,766, C>T on the plus strand (G>A on the coding strand, the complement: CERKL is on the minus strand). VCF-style: chr2-181656766-C-T. GRCh37 (hg19) VCF-style: chr2-182521493-C-T.
Other names: c.238+3G>A (NM_001030312.3, NM_001160277.2, NM_001030313.3 and 1 more transcripts).
Identifiers: ClinVar variation 2981316 (VCV002981316.3), dbSNP rs2468581292, ClinGen allele CA2577178474.

ClinVar aggregate classification (germline): Uncertain significance (1 of 4 stars; one submission).

Allele frequency attached by ClinVar (database versions not stated): gnomAD exomes below 0.00001.
gnomAD v4.1: 5 of 1,589,022 alleles (0.00031%); highest among the groups gnomAD compares: Non-Finnish European, 0.00043%; no homozygotes.

Submission:

Labcorp Genetics (formerly Invitae), Labcorp
Classification: Uncertain significance. Last evaluated: 2023-12-10. Review status: criteria provided, single submitter. Criteria: Invitae Variant Classification Sherloc (09022015). Collection method: clinical testing. Allele origin: germline.
Comment: This sequence change falls in intron 1 of the CERKL gene. It does not directly change the encoded amino acid sequence of the CERKL protein. It affects a nucleotide within the consensus splice site. This variant is not present in population databases (gnomAD no frequency). This variant has not been reported in the literature in individuals affected with CERKL-related conditions. Variants that disrupt the consensus splice site are a relatively common cause of aberrant splicing (PMID: 17576681, 9536098). Algorithms developed to predict the effect of sequence changes on RNA splicing suggest that this variant is not likely to affect RNA splicing. In summary, the available evidence is currently insufficient to determine the role of this variant in disease. Therefore, it has been classified as a Variant of Uncertain Significance.

Literature cited by the submitters: PubMed 17576681; PubMed 9536098.